The following is an entry in ClinVar:

ClinVar aggregate classification (germline): Uncertain significance (1 of 4 stars; one submission).

Conditions:
Inborn genetic diseases. Identifiers: MedGen C0950123, MeSH D030342.

Submission:

Ambry Genetics
Classification: Uncertain significance for Inborn genetic diseases. Last evaluated: 2025-03-05. Review status: criteria provided, single submitter. Criteria: Ambry Variant Classification Scheme 2023. Collection method: clinical testing. Allele origin: germline.
Comment: The p.L50V variant (also known as c.148C>G), located in coding exon 1 of the FANCM gene, results from a C to G substitution at nucleotide position 148. The leucine at codon 50 is replaced by valine, an amino acid with highly similar properties. This amino acid position is conserved. In addition, this alteration is predicted to be tolerated by in silico analysis. Based on the available evidence, the clinical significance of this variant remains unclear.

NM_020937.4(FANCM):c.148C>G (p.Leu50Val)

Gene: FANCM (FA complementation group M; plus strand). Cytogenetic location: 14q21.2.
Variant type: single nucleotide variant.
Coding change: c.148C>G on transcript NM_020937.4 (MANE Select); coding-DNA position 148, C replaced by G.
Protein change: p.Leu50Val; replaces leucine 50 with valine.
Molecular consequence: missense variant.
Genome position (GRCh38, 1-based): chr14:45,136,179, C>G. VCF-style: chr14-45136179-C-G. GRCh37 (hg19) VCF-style: chr14-45605382-C-G.
Other names: c.148C>G, p.Leu50Val (NM_001308133.2, NM_001308134.2); short protein forms L50V.
Identifiers: ClinVar variation 3848788 (VCV003848788.1).